The following is an entry in ClinVar:

ClinVar aggregate classification (germline): Uncertain significance. Review status: criteria provided, multiple submitters, no conflicts (2 of 4 stars). 2 submissions from 2 submitters: Uncertain significance (2). Last evaluated 2024-05-01.

Conditions:
Inborn genetic diseases. Identifiers: MedGen C0950123, MeSH D030342.

Allele frequency attached by ClinVar (database versions not stated): gnomAD 0.00001; ExAC 0.00003; TOPMed 0.00003.
gnomAD v4.1: 34 of 1,613,848 alleles (0.0021%); highest among the groups gnomAD compares: Middle Eastern, 0.033%; no homozygotes.

Submissions (2):

CeGaT Center for Human Genetics Tuebingen
Classification: Uncertain significance. Last evaluated: 2024-05-01. Review status: criteria provided, single submitter. Criteria: CeGaT Center For Human Genetics Tuebingen Variant Classification Criteria Version 2. Collection method: clinical testing. Allele origin: germline. Affected: yes. Observed: 1 variant allele.
Comment: CDK5RAP2: PM2, BP4

Ambry Genetics
Classification: Uncertain significance for Inborn genetic diseases. Last evaluated: 2024-01-30. Review status: criteria provided, single submitter. Criteria: Ambry Variant Classification Scheme 2023. Collection method: clinical testing. Allele origin: germline.

NM_018249.6(CDK5RAP2):c.731A>G (p.Lys244Arg)

Gene: CDK5RAP2 (CDK5 regulatory subunit associated protein 2; minus strand). Cytogenetic location: 9q33.2.
Variant type: single nucleotide variant.
Coding change: c.731A>G on transcript NM_018249.6 (MANE Select); coding-DNA position 731, A replaced by G.
Protein change: p.Lys244Arg; replaces lysine 244 with arginine.
Molecular consequence: missense variant. On other transcripts: non-coding transcript variant (5).
Genome position (GRCh38, 1-based): chr9:120,530,072, T>C on the plus strand (A>G on the coding strand, the complement: CDK5RAP2 is on the minus strand). VCF-style: chr9-120530072-T-C. GRCh37 (hg19) VCF-style: chr9-123292350-T-C.
Other names: c.731A>G, p.Lys244Arg (NM_001011649.3, NM_001272039.2, NM_001410992.1 and 2 more transcripts); short protein forms K244R.
Identifiers: ClinVar variation 3141589 (VCV003141589.20), dbSNP rs199670126, ClinGen allele CA5214625.